The following is an entry in ClinVar:

NM_080916.3(DGUOK):c.425G>A (p.Arg142Lys)

Gene: DGUOK (deoxyguanosine kinase; plus strand). Cytogenetic location: 2p13.1.
Variant type: single nucleotide variant.
Coding change: c.425G>A on transcript NM_080916.3 (MANE Select); coding-DNA position 425, G replaced by A.
Protein change: p.Arg142Lys; replaces arginine 142 with lysine.
Molecular consequence: missense variant. On other transcripts: non-coding transcript variant (5).
Genome position (GRCh38, 1-based): chr2:73,946,888, G>A. VCF-style: chr2-73946888-G-A. GRCh37 (hg19) VCF-style: chr2-74174015-G-A.
Other names: c.425G>A, p.Arg142Lys (NM_001318859.2, NM_080918.3); c.134G>A, p.Arg45Lys (NM_001318860.2, NM_001318861.2, NM_001318862.2 and 1 more transcripts); short protein forms R142K, R45K.
Identifiers: ClinVar variation 8157 (VCV000008157.4), dbSNP rs104893631, ClinGen allele CA254328.
Genomic context (GRCh38, chr2:73,946,888, plus strand): 5'-AGCTGGAGCCCTTCCCTGAGAAACTCTTACAGGCCAGGAAGCCAGTACAGATCTTTGAGA[G>A]GTCTGTGTACAGTGACAGGTAAAATGCCAAGCCCTCCACCAGTCACAAGCCCCATGCTCA-3'
Protein context (NP_550438.1, residues 132-152): QARKPVQIFE[Arg142Lys]SVYSDRYIFA

ClinVar aggregate classification (germline): Pathogenic/Likely pathogenic. Review status: criteria provided, multiple submitters, no conflicts (2 of 4 stars). 3 submissions from 3 submitters: Pathogenic (1); Likely pathogenic (1). 1 of the submissions does not count toward it. Last evaluated 2023-09-15.

Conditions:
Mitochondrial DNA depletion syndrome 3 (hepatocerebral type). Also called: MITOCHONDRIAL DNA DEPLETION SYNDROME 3; Deoxyguanosine Kinase Deficiency; Mitochondrial DNA depletion syndrome, hepatocerebral form due to DGUOK deficiency. Identifiers: Orphanet 279934, MedGen CN074093, MONDO:0009636, OMIM 251880.
Progressive external ophthalmoplegia with mitochondrial DNA deletions, autosomal recessive 4. Also called: PROGRESSIVE EXTERNAL OPHTHALMOPLEGIA, AUTOSOMAL RECESSIVE 4; Adult-onset multiple mitochondrial DNA deletion syndrome due to DGUOK deficiency. Identifiers: Orphanet 329314, MedGen C4310733, MONDO:0014899, OMIM 617070.

Allele frequency attached by ClinVar (database versions not stated): gnomAD exomes below 0.00001 and 0.00001; TOPMed below 0.00001; gnomAD 0.00001.
gnomAD v4.1: 17 of 1,612,556 alleles (0.0011%); highest among the groups gnomAD compares: Non-Finnish European, 0.0014%; no homozygotes.

Submissions (3):

3billion
Classification: Likely pathogenic for Progressive external ophthalmoplegia with mitochondrial DNA deletions, autosomal recessive 4. Last evaluated: 2023-09-15. Review status: criteria provided, single submitter. Criteria: ACMG Guidelines, 2015. Collection method: clinical testing. Allele origin: germline. Affected: yes.
Comment: The variant is observed at an extremely low frequency in the gnomAD v2.1.1 dataset (total allele frequency: 0.001%). Predicted Consequence/Location: Missense variant In silico tool predictions suggest damaging effect of the variant on gene or gene product [REVEL: 0.97 (>=0.6, sensitivity 0.68 and specificity 0.92); 3Cnet: 0.68 (>=0.6, sensitivity 0.72 and precision 0.9)]. Same nucleotide change resulting in same amino acid change has been previously reported to be associated with DGUOK related disorder (ClinVar ID: VCV000008157 /PMID: 12205643). The variant has been reported to be in trans with a pathogenic variant as either compound heterozygous or homozygous in at least one similarly affected unrelated individual (PMID: 12205643). Therefore, this variant is classified as Likely pathogenic according to the recommendation of ACMG/AMP guideline.

GeneDx
Classification: Pathogenic. Last evaluated: 2019-12-16. Review status: criteria provided, single submitter. Criteria: GeneDx Variant Classification Process June 2021. Collection method: clinical testing. Allele origin: germline. Affected: yes.
Comment: Published functional studies demonstrate R142K results in decreased enzyme activity, supporting a damaging effect (Wang et al., 2003); Not observed at a significant frequency in large population cohorts (Lek et al., 2016); In silico analysis, which includes protein predictors and evolutionary conservation, supports a deleterious effect; This variant is associated with the following publications: (PMID: 12205643, 18600543, 14623087)

OMIM
Classification: Pathogenic for MITOCHONDRIAL DNA DEPLETION SYNDROME 3 (HEPATOCEREBRAL TYPE). Last evaluated: 2002-09-01. Review status: no assertion criteria provided. Collection method: literature only. Allele origin: germline. Not counted in ClinVar's aggregate classification.

Literature cited by the submitters: PubMed 12205643 (cited by 3billion and OMIM).